The following is an entry in ClinVar:

NM_004698.4(PRPF3):c.1720G>A (p.Val574Ile)

Gene: PRPF3 (pre-mRNA processing factor 3; plus strand). Cytogenetic location: 1q21.2.
Variant type: single nucleotide variant.
Coding change: c.1720G>A on transcript NM_004698.4 (MANE Select); coding-DNA position 1720, G replaced by A.
Protein change: p.Val574Ile; replaces valine 574 with isoleucine.
Molecular consequence: missense variant. On other transcripts: non-coding transcript variant (4).
Genome position (GRCh38, 1-based): chr1:150,346,097, G>A. VCF-style: chr1-150346097-G-A. GRCh37 (hg19) VCF-style: chr1-150318573-G-A.
Other names: c.1315G>A, p.Val439Ile (NM_001350529.1); short protein forms V574I, V439I.
Identifiers: ClinVar variation 3660424 (VCV003660424.2).

ClinVar aggregate classification (germline): Uncertain significance (1 of 4 stars; one submission).

Submission:

Labcorp Genetics (formerly Invitae), Labcorp
Classification: Uncertain significance. Last evaluated: 2024-07-24. Review status: criteria provided, single submitter. Criteria: Invitae Variant Classification Sherloc (09022015). Collection method: clinical testing. Allele origin: germline.
Comment: This sequence change replaces valine, which is neutral and non-polar, with isoleucine, which is neutral and non-polar, at codon 574 of the PRPF3 protein (p.Val574Ile). This variant is not present in population databases (gnomAD no frequency). This variant has not been reported in the literature in individuals affected with PRPF3-related conditions. Advanced modeling of protein sequence and biophysical properties (such as structural, functional, and spatial information, amino acid conservation, physicochemical variation, residue mobility, and thermodynamic stability) performed at Invitae indicates that this missense variant is not expected to disrupt PRPF3 protein function with a negative predictive value of 80%. In summary, the available evidence is currently insufficient to determine the role of this variant in disease. Therefore, it has been classified as a Variant of Uncertain Significance.